The following is an entry in ClinVar:

NM_000431.4(MVK):c.372-3C>T

Gene: MVK (mevalonate kinase; plus strand). Cytogenetic location: 12q24.11.
Variant type: single nucleotide variant.
Coding change: c.372-3C>T on transcript NM_000431.4 (MANE Select); 3 bases into the intron before coding-DNA position 372, C replaced by T.
Molecular consequence: intron variant.
Genome position (GRCh38, 1-based): chr12:109,581,392, C>T. VCF-style: chr12-109581392-C-T. GRCh37 (hg19) VCF-style: chr12-110019197-C-T.
Other names: c.371+1446C>T (NM_001301182.2); c.372-3C>T (NM_001114185.3).
Identifiers: ClinVar variation 97583 (VCV000097583.3), dbSNP rs104895354, ClinGen allele CA149818.

ClinVar aggregate classification (germline): Uncertain significance. Review status: criteria provided, multiple submitters, no conflicts (2 of 4 stars). 3 submissions from 3 submitters: Uncertain significance (2). 1 of the submissions does not count toward it. Last evaluated 2023-11-30.

Conditions:
Hyperimmunoglobulin D with periodic fever (HIDS). Also called: HYPERIMMUNOGLOBULINEMIA D AND PERIODIC FEVER SYNDROME; Hyperimmunoglobulinemia D with periodic fever; Hyperimmunoglobulinemia D. Identifiers: Orphanet 343, MedGen C0398691, MONDO:0009849, OMIM 260920.
Mevalonic aciduria (MEVA). Identifiers: Orphanet 29, MedGen C1959626, MONDO:0012481, OMIM 610377.
Porokeratosis 3, disseminated superficial actinic type (POROK3). Also called: POROKERATOSIS, DISSEMINATED SUPERFICIAL ACTINIC, 1; POROKERATOSIS 3, MULTIPLE TYPES; POROKERATOSIS 3, MIBELLI TYPE. Identifiers: MedGen C1867981, MONDO:0008293, OMIM 175900.

Allele frequency attached by ClinVar (database versions not stated): gnomAD exomes below 0.00001 and 0.00001; gnomAD 0.00001; TOPMed 0.00001; ExAC 0.00002.

Submissions (3):

Blueprint Genetics
Classification: Uncertain significance. Last evaluated: 2023-11-30. Review status: criteria provided, single submitter. Criteria: ACMG Guidelines, 2015. Collection method: clinical testing. Allele origin: germline.

Labcorp Genetics (formerly Invitae), Labcorp
Classification: Uncertain significance for Mevalonic aciduria; Hyperimmunoglobulin D with periodic fever; Porokeratosis 3, disseminated superficial actinic type. Last evaluated: 2023-11-11. Review status: criteria provided, single submitter. Criteria: Invitae Variant Classification Sherloc (09022015). Collection method: clinical testing. Allele origin: germline.
Comment: This sequence change falls in intron 4 of the MVK gene. It does not directly change the encoded amino acid sequence of the MVK protein. It affects a nucleotide within the consensus splice site. This variant is present in population databases (rs104895354, gnomAD 0.003%). This variant has not been reported in the literature in individuals affected with MVK-related conditions. ClinVar contains an entry for this variant (Variation ID: 97583). Variants that disrupt the consensus splice site are a relatively common cause of aberrant splicing (PMID: 17576681, 9536098). Algorithms developed to predict the effect of sequence changes on RNA splicing suggest that this variant is not likely to affect RNA splicing. In summary, the available evidence is currently insufficient to determine the role of this variant in disease. Therefore, it has been classified as a Variant of Uncertain Significance.

Unité médicale des maladies autoinflammatoires, CHRU Montpellier
No classification provided. Condition: Hyperimmunoglobulin D with periodic fever. Review status: no classification provided. Collection method: not provided. Allele origin: unknown. Not counted in ClinVar's aggregate classification.
Comment: also involved in OMIM 25117

Literature cited by the submitters: PubMed 17576681 (cited by Labcorp Genetics (formerly Invitae), Labcorp); PubMed 9536098 (cited by Labcorp Genetics (formerly Invitae), Labcorp).